The following is an entry in ClinVar:

NM_021012.5(KCNJ12):c.456G>A (p.Thr152=)

Gene: KCNJ12 (potassium inwardly rectifying channel subfamily J member 12; plus strand). Cytogenetic location: 17p11.2.
Variant type: single nucleotide variant.
Coding change: c.456G>A on transcript NM_021012.5 (MANE Select); coding-DNA position 456, G replaced by A.
Protein change: p.Thr152=; no amino-acid change (threonine 152 retained).
Molecular consequence: synonymous variant.
Genome position (GRCh38, 1-based): chr17:21,415,798, G>A. VCF-style: chr17-21415798-G-A. GRCh37 (hg19) VCF-style: chr17-21319110-G-A.
Identifiers: ClinVar variation 3058880 (VCV003058880.2), dbSNP rs77283567, ClinGen allele CA8451141.

ClinVar aggregate classification (germline): Benign (0 of 4 stars; one submission).

Conditions:
KCNJ12-related disorder. Also called: KCNJ12-related condition.

Allele frequency attached by ClinVar (database versions not stated): ExAC 0.49440.

Submission:

PreventionGenetics, part of Exact Sciences
Classification: Benign for KCNJ12-related condition. Last evaluated: 2019-10-17. Review status: no assertion criteria provided. Collection method: clinical testing. Allele origin: germline.
Comment: This variant is classified as benign based on ACMG/AMP sequence variant interpretation guidelines (Richards et al. 2015 PMID: 25741868, with internal and published modifications).